The following is an entry in ClinVar:

NM_000138.5(FBN1):c.6628T>C (p.Cys2210Arg)

Gene: FBN1 (fibrillin 1; minus strand). Cytogenetic location: 15q21.1.
Variant type: single nucleotide variant.
Coding change: c.6628T>C on transcript NM_000138.5 (MANE Select); coding-DNA position 6628, T replaced by C.
Protein change: p.Cys2210Arg; replaces cysteine 2210 with arginine.
Molecular consequence: missense variant.
Genome position (GRCh38, 1-based): chr15:48,432,977, A>G on the plus strand (T>C on the coding strand, the complement: FBN1 is on the minus strand). VCF-style: chr15-48432977-A-G. GRCh37 (hg19) VCF-style: chr15-48725174-A-G.
Other names: p.C2210R:TGT>CGT; short protein forms C2210R.
Identifiers: ClinVar variation 200089 (VCV000200089.9), dbSNP rs794728253, ClinGen allele CA016575.
Genomic context (GRCh38, chr15:48,432,977, plus strand): 5'-ATTCATATGACCCATAAGTGTTCACACATCGGAAGGCACAGAGCAGAGGATTCTGGGCAC[A>G]TTCATTTATATCTGCAGCAGAGGAGAGTAAGTAAATAAGGGATCATGGACAGCAACAAAA-3'
Protein context (NP_000129.3, residues 2200-2220): PMMTCEDINE[Cys2210Arg]AQNPLLCAFR

ClinVar aggregate classification (germline): Pathogenic/Likely pathogenic. Review status: criteria provided, multiple submitters, no conflicts (2 of 4 stars). 3 submissions from 3 submitters: Pathogenic (2); Likely pathogenic (1). Last evaluated 2025-06-24.

Conditions:
Marfan syndrome (MFS). Also called: Marfan syndrome, classic; FBN1-Related Marfan Syndrome; Marfan syndrome type 1; Marfan's syndrome; MARFAN SYNDROME, TYPE I. Identifiers: Orphanet 284963, Orphanet 558, MedGen C0024796, MONDO:0007947, OMIM 154700.
Familial thoracic aortic aneurysm and aortic dissection (TAAD). Also called: Thoracic aortic aneurysms and dissections. Identifiers: Orphanet 91387, MedGen C4707243, MONDO:0019625.

Submissions (3):

Labcorp Genetics (formerly Invitae), Labcorp
Classification: Pathogenic for Marfan syndrome; Familial thoracic aortic aneurysm and aortic dissection. Last evaluated: 2025-06-24. Review status: criteria provided, single submitter. Criteria: Invitae Variant Classification Sherloc (09022015). Collection method: clinical testing. Allele origin: germline.
Comment: This sequence change replaces cysteine, which is neutral and slightly polar, with arginine, which is basic and polar, at codon 2210 of the FBN1 protein (p.Cys2210Arg). This variant is not present in population databases (gnomAD no frequency). This missense change has been observed in individuals with FBN1-related conditions (PMID: 32679894, 36517271). ClinVar contains an entry for this variant (Variation ID: 200089). Invitae Evidence Modeling of protein sequence and biophysical properties (such as structural, functional, and spatial information, amino acid conservation, physicochemical variation, residue mobility, and thermodynamic stability) indicates that this missense variant is expected to disrupt FBN1 protein function with a positive predictive value of 95%. This variant affects a cysteine residue in the EGF-like, TGFBP or hybrid motif domains of FBN1. Cysteine residues are believed to be involved in intramolecular disulfide bridges and have been shown to be important for FBN1 protein structure (PMID: 16905551, 19349279). In addition, missense substitutions affecting cysteine residues within these domains are significantly overrepresented among patients with Marfan syndrome (PMID: 16571647, 17701892). This variant disrupts the p.Cys2210 amino acid residue in FBN1. Other variant(s) that disrupt this residue have been observed in individuals with FBN1-related conditions (PMID: 27724990), which suggests that this may be a clinically significant amino acid residue. For these reasons, this variant has been classified as Pathogenic.

GeneDx
Classification: Pathogenic. Last evaluated: 2022-07-21. Review status: criteria provided, single submitter. Criteria: GeneDx Variant Classification Process June 2021. Collection method: clinical testing. Allele origin: germline. Affected: yes.
Comment: Not observed at significant frequency in large population cohorts (gnomAD); In silico analysis supports that this missense variant has a deleterious effect on protein structure/function; Affects a cysteine residue within a calcium-binding EGF-like domain of the FBN1 gene, which may affect disulfide bonding and is predicted to alter the structure and function of the protein; cysteine substitutions in the calcium-binding EGF-like domains represent the majority of pathogenic missense changes associated with FBN1-related disorders (Collod-Beroud et al., 2003).; This variant is associated with the following publications: (PMID: 32679894, 12938084, 34498425)

Ambry Genetics
Classification: Likely pathogenic for Familial thoracic aortic aneurysm and aortic dissection. Last evaluated: 2017-07-26. Review status: criteria provided, single submitter. Criteria: Ambry Variant Classification Scheme 2023. Collection method: clinical testing. Allele origin: germline.
Comment: The p.C2210R variant (also known as c.6628T>C), located in coding exon 54 of the FBN1 gene, results from a T to C substitution at nucleotide position 6628. The cysteine at codon 2210 is replaced by arginine, an amino acid with highly dissimilar properties, and is located in the cbEGF-like #34 domain. Alterations affecting the same amino acid, p.C2210W (c.6630T>G) and p.C2210Y (c.6629G>A), have been reported in association with Marfan syndrome (Lerner-Ellis JP et al. Mol. Genet. Metab., 2014 Jun;112:171-6; Zhurayev R et al. Genet Res (Camb), 2016 Oct;98:e13). This amino acid position is highly conserved in available vertebrate species. In addition, this alteration is predicted to be deleterious by in silico analysis. The majority of FBN1 mutations identified to date have involved the substitution or generation of cysteine residues within cbEGF domains (Vollbrandt T et al. J Biol Chem. 2004;279(31):32924-32931). Based on the majority of available evidence to date, this variant is likely to be pathogenic.

Literature cited by the submitters: PubMed 32679894 (cited by Labcorp Genetics (formerly Invitae), Labcorp); PubMed 36517271 (cited by Labcorp Genetics (formerly Invitae), Labcorp); PubMed 16905551 (cited by Labcorp Genetics (formerly Invitae), Labcorp); PubMed 19349279 (cited by Labcorp Genetics (formerly Invitae), Labcorp); PubMed 16571647 (cited by Labcorp Genetics (formerly Invitae), Labcorp); PubMed 17701892 (cited by Labcorp Genetics (formerly Invitae), Labcorp); PubMed 27724990 (cited by Labcorp Genetics (formerly Invitae), Labcorp and Ambry Genetics); PubMed 24793577 (cited by Ambry Genetics).